The following is an entry in ClinVar:

NM_012281.3(KCND2):c.652G>C (p.Glu218Gln)

Gene: KCND2 (potassium voltage-gated channel subfamily D member 2; plus strand). Cytogenetic location: 7q31.31.
Variant type: single nucleotide variant.
Coding change: c.652G>C on transcript NM_012281.3 (MANE Select); coding-DNA position 652, G replaced by C.
Protein change: p.Glu218Gln; replaces glutamic acid 218 with glutamine.
Molecular consequence: missense variant.
Genome position (GRCh38, 1-based): chr7:120,275,284, G>C. VCF-style: chr7-120275284-G-C. GRCh37 (hg19) VCF-style: chr7-119915338-G-C.
Other names: short protein forms E218Q.
Identifiers: ClinVar variation 663034 (VCV000663034.8), dbSNP rs1584706614, ClinGen allele CA369132088.

ClinVar aggregate classification (germline): Uncertain significance (1 of 4 stars; one submission).

Conditions:
Early Myoclonic Encephalopathy. Identifiers: MedGen C0270855.

Allele frequency attached by ClinVar (database versions not stated): gnomAD exomes below 0.00001.
gnomAD v4.1: 1 of 1,613,904 alleles (0.000062%); highest among the groups gnomAD compares: Non-Finnish European, 0.000085%; no homozygotes.

Submission:

Labcorp Genetics (formerly Invitae), Labcorp
Classification: Uncertain significance for Early Myoclonic Encephalopathy. Last evaluated: 2025-08-03. Review status: criteria provided, single submitter. Criteria: Invitae Variant Classification Sherloc (09022015). Collection method: clinical testing. Allele origin: germline.
Comment: This sequence change replaces glutamic acid, which is acidic and polar, with glutamine, which is neutral and polar, at codon 218 of the KCND2 protein (p.Glu218Gln). This variant is not present in population databases (gnomAD no frequency). This variant has not been reported in the literature in individuals affected with KCND2-related conditions. ClinVar contains an entry for this variant (Variation ID: 663034). Invitae Evidence Modeling of protein sequence and biophysical properties (such as structural, functional, and spatial information, amino acid conservation, physicochemical variation, residue mobility, and thermodynamic stability) indicates that this missense variant is not expected to disrupt KCND2 protein function with a negative predictive value of 95%. In summary, the available evidence is currently insufficient to determine the role of this variant in disease. Therefore, it has been classified as a Variant of Uncertain Significance.